The following is an entry in ClinVar:

NM_030912.3(TRIM8):c.252G>T (p.Glu84Asp)

Gene: TRIM8 (tripartite motif containing 8; plus strand). Cytogenetic location: 10q24.32.
Variant type: single nucleotide variant.
Coding change: c.252G>T on transcript NM_030912.3 (MANE Select); coding-DNA position 252, G replaced by T.
Protein change: p.Glu84Asp; replaces glutamic acid 84 with aspartic acid.
Molecular consequence: missense variant. On other transcripts: non-coding transcript variant (1).
Genome position (GRCh38, 1-based): chr10:102,644,869, G>T. VCF-style: chr10-102644869-G-T. GRCh37 (hg19) VCF-style: chr10-104404626-G-T.
Other names: c.252G>T, p.Glu84Asp (NM_001345950.1); short protein forms E84D.
Identifiers: ClinVar variation 3723603 (VCV003723603.2).
Genomic context (GRCh38, chr10:102,644,869, plus strand): 5'-CCTGGAGAAGAACCTGAAGCTCACCAACATCGTGGAGAAGTTCAATGCCCTGCACGTGGA[G>T]AAGCCGCCGGCGGCGCTGCACTGCGTGTTCTGCCGCCGCGGCCCCCCGCTGCCCGCGCAG-3'
Protein context (NP_112174.2, residues 74-94): IVEKFNALHV[Glu84Asp]KPPAALHCVF

ClinVar aggregate classification (germline): Uncertain significance (1 of 4 stars; one submission).

Submission:

Labcorp Genetics (formerly Invitae), Labcorp
Classification: Uncertain significance. Last evaluated: 2024-10-24. Review status: criteria provided, single submitter. Criteria: Invitae Variant Classification Sherloc (09022015). Collection method: clinical testing. Allele origin: germline.
Comment: This sequence change replaces glutamic acid, which is acidic and polar, with aspartic acid, which is acidic and polar, at codon 84 of the TRIM8 protein (p.Glu84Asp). This variant is not present in population databases (gnomAD no frequency). This variant has not been reported in the literature in individuals affected with TRIM8-related conditions. An algorithm developed to predict the effect of missense changes on protein structure and function (PolyPhen-2) suggests that this variant is likely to be tolerated. In summary, the available evidence is currently insufficient to determine the role of this variant in disease. Therefore, it has been classified as a Variant of Uncertain Significance.